The following is an entry in ClinVar:

NM_004484.4(GPC3):c.451G>C (p.Asp151His)

Gene: GPC3 (glypican 3; minus strand). Cytogenetic location: Xq26.2.
Variant type: single nucleotide variant.
Coding change: c.451G>C on transcript NM_004484.4 (MANE Select); coding-DNA position 451, G replaced by C.
Protein change: p.Asp151His; replaces aspartic acid 151 with histidine.
Molecular consequence: missense variant.
Genome position (GRCh38, 1-based): chrX:133,754,063, C>G on the plus strand (G>C on the coding strand, the complement: GPC3 is on the minus strand). VCF-style: chrX-133754063-C-G. GRCh37 (hg19) VCF-style: chrX-132888090-C-G.
Other names: c.451G>C, p.Asp151His (NM_001164617.2); c.403G>C, p.Asp135His (NM_001164618.2); c.289G>C, p.Asp97His (NM_001164619.2); short protein forms D135H, D151H, D97H.
Identifiers: ClinVar variation 3655626 (VCV003655626.2).

ClinVar aggregate classification (germline): Uncertain significance (1 of 4 stars; one submission).

Conditions:
Wilms tumor 1 (WT1). Also called: Wilms tumor, somatic. Identifiers: Orphanet 654, MedGen CN033288, MONDO:0008679, OMIM 194070.

Submission:

Labcorp Genetics (formerly Invitae), Labcorp
Classification: Uncertain significance for Wilms tumor 1. Last evaluated: 2024-06-21. Review status: criteria provided, single submitter. Criteria: Invitae Variant Classification Sherloc (09022015). Collection method: clinical testing. Allele origin: germline.
Comment: This sequence change replaces aspartic acid, which is acidic and polar, with histidine, which is basic and polar, at codon 151 of the GPC3 protein (p.Asp151His). This variant is not present in population databases (gnomAD no frequency). This variant has not been reported in the literature in individuals affected with GPC3-related conditions. Advanced modeling of protein sequence and biophysical properties (such as structural, functional, and spatial information, amino acid conservation, physicochemical variation, residue mobility, and thermodynamic stability) performed at Invitae indicates that this missense variant is expected to disrupt GPC3 protein function with a positive predictive value of 80%. In summary, the available evidence is currently insufficient to determine the role of this variant in disease. Therefore, it has been classified as a Variant of Uncertain Significance.